The following is an entry in ClinVar:

NM_022166.4(XYLT1):c.1765-8G>A

Genes: XYLT1 (xylosyltransferase 1; minus strand), LOC102723692 (uncharacterized LOC102723692; plus strand). Cytogenetic location: 16p12.3.
Variant type: single nucleotide variant.
Coding change: c.1765-8G>A on transcript NM_022166.4 (MANE Select); 8 bases into the intron before coding-DNA position 1765, G replaced by A.
Molecular consequence: intron variant.
Genome position (GRCh38, 1-based): chr16:17,134,743, C>T on the plus strand (G>A on the coding strand, the complement: XYLT1 is on the minus strand). VCF-style: chr16-17134743-C-T. GRCh37 (hg19) VCF-style: chr16-17228600-C-T.
Identifiers: ClinVar variation 2006985 (VCV002006985.4), dbSNP rs778442932, ClinGen allele CA7927772.
Genomic context (GRCh38, chr16:17,134,743, plus strand): 5'-TGATTCACCACGGCTTCAAACTTGCGGGCAAAGAAGGTAGGCCGGGCTGTCTGCTGTACT[C>T]ATGGGATTAAAAATAGAAAAGCCACATCAGCGAGTGCTGGGGGTTGGGGGGAACCTAAGG-3'

ClinVar aggregate classification (germline): Uncertain significance (1 of 4 stars; one submission).

Conditions:
Desbuquois dysplasia 1 (DBQD1). Also called: MICROMELIC DWARFISM WITH VERTEBRAL AND METAPHYSEAL ABNORMALITIES AND ADVANCED CARPOTARSAL OSSIFICATION; DESBUQUOIS DYSPLASIA 1, KIM VARIANT. Identifiers: Orphanet 1425, MedGen C4012146, MONDO:0009629, OMIM 251450.

Allele frequency attached by ClinVar (database versions not stated): gnomAD exomes below 0.00001; ExAC 0.00001.
gnomAD v4.1: 2 of 1,612,570 alleles (0.00012%); highest among the groups gnomAD compares: East Asian, 0.0022%; no homozygotes.

Submission:

Labcorp Genetics (formerly Invitae), Labcorp
Classification: Uncertain significance for Desbuquois dysplasia 1. Last evaluated: 2022-06-17. Review status: criteria provided, single submitter. Criteria: Invitae Variant Classification Sherloc (09022015). Collection method: clinical testing. Allele origin: germline.
Comment: Algorithms developed to predict the effect of sequence changes on RNA splicing suggest that this variant may disrupt the consensus splice site. This sequence change falls in intron 8 of the XYLT1 gene. It does not directly change the encoded amino acid sequence of the XYLT1 protein. This variant is present in population databases (rs778442932, gnomAD 0.006%). This variant has not been reported in the literature in individuals affected with XYLT1-related conditions. In summary, the available evidence is currently insufficient to determine the role of this variant in disease. Therefore, it has been classified as a Variant of Uncertain Significance.